The following is an entry in ClinVar:

NM_000138.5(FBN1):c.7965G>T (p.Ala2655=)

Gene: FBN1 (fibrillin 1; minus strand). Cytogenetic location: 15q21.1.
Variant type: single nucleotide variant.
Coding change: c.7965G>T on transcript NM_000138.5 (MANE Select); coding-DNA position 7965, G replaced by T.
Protein change: p.Ala2655=; no amino-acid change (alanine 2655 retained).
Molecular consequence: synonymous variant.
Genome position (GRCh38, 1-based): chr15:48,415,622, C>A on the plus strand (G>T on the coding strand, the complement: FBN1 is on the minus strand). VCF-style: chr15-48415622-C-A. GRCh37 (hg19) VCF-style: chr15-48707819-C-A.
Other names: c.7965G>T, p.Ala2655= (NM_001406716.1).
Identifiers: ClinVar variation 3071148 (VCV003071148.1), dbSNP rs199887650, ClinGen allele CA490119187.

ClinVar aggregate classification (germline): Likely benign (1 of 4 stars; one submission).

Conditions:
Marfan syndrome (MFS). Also called: MARFAN SYNDROME, TYPE I; Marfan syndrome type 1; Marfan's syndrome; Marfan syndrome, classic; FBN1-Related Marfan Syndrome. Identifiers: Orphanet 284963, Orphanet 558, MedGen C0024796, MONDO:0007947, OMIM 154700.

Submission:

All of Us Research Program, National Institutes of Health
Classification: Likely benign for Marfan syndrome. Last evaluated: 2023-05-16. Review status: criteria provided, single submitter. Criteria: ACMG Guidelines, 2015. Collection method: clinical testing. Allele origin: germline. Inheritance: Autosomal dominant inheritance. Observed: 1 variant allele, 1 heterozygote.
Comment: This study involves interpretation of variants in research participants for the purpose of population health screening. Participant phenotype was not available at the time of variant classification. Additional details can be found in publication PMID: 35346344, PMCID: PMC8962531